The following is an entry in ClinVar:

ClinVar aggregate classification (germline): Pathogenic/Likely pathogenic. Review status: criteria provided, multiple submitters, no conflicts (2 of 4 stars). 3 submissions from 3 submitters: Pathogenic (2); Likely pathogenic (1). Last evaluated 2026-06-02.

Conditions:
Joubert syndrome and related disorders. Identifiers: Orphanet 140874, MedGen C5679612, MONDO:0015369.
Joubert syndrome. Also called: JOUBERT-BOLTSHAUSER SYNDROME; Familial aplasia of the vermis. Identifiers: Orphanet 475, MedGen C5979921, MONDO:0018772.
Meckel-Gruber syndrome. Also called: DYSENCEPHALIA SPLANCHNOCYSTICA; GRUBER SYNDROME; Dysencephalia splachnocystica. Identifiers: Orphanet 564, MedGen C0265215, MONDO:0018921.

Submissions (3):

Women's Health and Genetics/Laboratory Corporation of America, LabCorp
Classification: Pathogenic for Joubert syndrome and related disorders. Last evaluated: 2026-06-02. Review status: criteria provided, single submitter. Criteria: LabCorp Variant Classification Summary - May 2015. Collection method: clinical testing. Allele origin: germline.
Comment: Variant summary: TCTN2 c.800_801delTG (p.Val267GlyfsX3) results in a premature termination codon, predicted to cause a truncation of the encoded protein or absence of the protein due to nonsense mediated decay, which are commonly known mechanisms for disease. The variant allele was found at a frequency of 8e-06 in 251484 control chromosomes. c.800_801delTG has been observed in individual(s) affected with TCTN2-related conditions (Brea-Fernandez_2022). These report(s) do not provide unequivocal conclusions about association of the variant with disease. To our knowledge, no experimental evidence demonstrating an impact on protein function has been reported. The following publication has been ascertained in the context of this evaluation (PMID: 35322241). ClinVar contains an entry for this variant (Variation ID: 2037718). Based on the evidence outlined above, the variant was classified as pathogenic.

GeneDx
Classification: Likely pathogenic. Last evaluated: 2025-08-29. Review status: criteria provided, single submitter. Criteria: GeneDx Variant Classification Process June 2021. Collection method: clinical testing. Allele origin: germline.
Comment: Observed with a second TCTN2 variant in trans in a patient with intellectual disability in the published literature, however, no additional clinical features consistent with TCTN2-related disorders were described (PMID: 35322241); Frameshift variant predicted to result in protein truncation or nonsense mediated decay in a gene for which loss-of-function is a known mechanism of disease; Not observed at significant frequency in large population cohorts (gnomAD); This variant is associated with the following publications: (PMID: 35322241)

Labcorp Genetics (formerly Invitae), Labcorp
Classification: Pathogenic for Joubert syndrome; Meckel-Gruber syndrome. Last evaluated: 2022-03-20. Review status: criteria provided, single submitter. Criteria: Invitae Variant Classification Sherloc (09022015). Collection method: clinical testing. Allele origin: germline.
Comment: This sequence change creates a premature translational stop signal (p.Val267Glyfs*3) in the TCTN2 gene. It is expected to result in an absent or disrupted protein product. Loss-of-function variants in TCTN2 are known to be pathogenic (PMID: 21565611). This variant is present in population databases (rs754048525, gnomAD 0.006%). This variant has not been reported in the literature in individuals affected with TCTN2-related conditions. For these reasons, this variant has been classified as Pathogenic.

Literature cited by the submitters: PubMed 35322241 (cited by Women's Health and Genetics/Laboratory Corporation of America, LabCorp); PubMed 21565611 (cited by Labcorp Genetics (formerly Invitae), Labcorp).

NM_024809.5(TCTN2):c.800_801del (p.Val267fs)

Gene: TCTN2 (tectonic family member 2; plus strand). Cytogenetic location: 12q24.31.
Variant type: Microsatellite.
Coding change: c.800_801del on transcript NM_024809.5 (MANE Select); coding-DNA positions 800 to 801, 2 bases deleted (TG; older notation c.800_801delTG).
Protein change: p.Val267fs; shifts the reading frame from valine 267.
Molecular consequence: frameshift variant.
Genome position (GRCh38, 1-based): chr12:123,688,086-123,688,087, TG deleted; deleting any 2 consecutive bases within chr12:123,688,084-123,688,087 gives the same sequence; the c. name uses the placement nearest the transcript's 3' end. VCF-style (leftmost placement, unchanged base first): chr12-123688083-ATG-A. GRCh37 (hg19) VCF-style: chr12-124172630-ATG-A.
Other names: c.797_798del, p.Val266fs (NM_001143850.3); c.798_799TG[1], p.Val267Glyfs (NM_001410989.1); c.800_801delTG (NM_024809.5); short protein forms V266fs, V267fs.
Identifiers: ClinVar variation 2037718 (VCV002037718.4), dbSNP rs754048525, ClinGen allele CA6861011.